The following is an entry in ClinVar:

NM_006005.3(WFS1):c.2663C>T (p.Ser888Leu)

Gene: WFS1 (wolframin ER transmembrane glycoprotein; plus strand). Cytogenetic location: 4p16.1.
Variant type: single nucleotide variant.
Coding change: c.2663C>T on transcript NM_006005.3 (MANE Select); coding-DNA position 2663, C replaced by T.
Protein change: p.Ser888Leu; replaces serine 888 with leucine.
Molecular consequence: missense variant.
Genome position (GRCh38, 1-based): chr4:6,302,458, C>T. VCF-style: chr4-6302458-C-T. GRCh37 (hg19) VCF-style: chr4-6304185-C-T.
Other names: p.S888L:TCG>TTG; c.2663C>T, p.Ser888Leu (NM_001145853.1); short protein forms S888L.
Identifiers: ClinVar variation 215415 (VCV000215415.18), dbSNP rs547089139, ClinGen allele CA323386.
Genomic context (GRCh38, chr4:6,302,458, plus strand): 5'-GCAGCACCGTGCATGGCGCCGTGAAGTTCGCCTTCGACTTCTTTTTCTTCCCATTCCTGT[C>T]GGCGGCCTGAGGATGGTCCGCCACGAGGAGCTTCCAGTGCATGTTGCCATGAGGCCTTTC-3'
Protein context (NP_005996.2, residues 878-890): AFDFFFFPFL[Ser888Leu]AA

ClinVar aggregate classification (germline): Uncertain significance. Review status: criteria provided, multiple submitters, no conflicts (2 of 4 stars). 8 submissions from 8 submitters: Uncertain significance (8). Last evaluated 2026-08-27.

Conditions:
WFS1-related disorder. Identifiers: MedGen CN379391, MONDO:0700293.
Inborn genetic diseases. Identifiers: MedGen C0950123, MeSH D030342.
Autosomal dominant nonsyndromic hearing loss 6 (LFSNHL). Also called: Autosomal dominant nonsyndromic deafness 6; DEAFNESS, AUTOSOMAL DOMINANT 6; DEAFNESS, AUTOSOMAL DOMINANT 14; DEAFNESS, AUTOSOMAL DOMINANT 38. Identifiers: Orphanet 90635, MedGen C1833021, MONDO:0010963, OMIM 600965.
Type 2 diabetes mellitus. Also called: Type II diabetes mellitus. Identifiers: MedGen C0011860, MeSH D003924, MONDO:0005148, OMIM 125853, HP:0005978.
Cataract 41 (CTRCT41). Also called: CATARACT 41, CONGENITAL NUCLEAR TYPE. Identifiers: Orphanet 91492, Orphanet 98991, Orphanet 98992, Orphanet 98995, MedGen C3805412, MONDO:0007287, OMIM 116400.
Wolfram syndrome 1 (WFS1). Identifiers: Orphanet 3463, MedGen C4551693, MONDO:0009101, OMIM 222300.
Wolfram-like syndrome. Also called: HEARING LOSS, PROGRESSIVE, WITH OPTIC ATROPHY AND/OR IMPAIRED GLUCOSE REGULATION. Identifiers: Orphanet 411590, MedGen C3280358, MONDO:0013673, OMIM 614296.

Allele frequency attached by ClinVar (database versions not stated): TOPMed 0.00003; ExAC 0.00004; gnomAD exomes 0.00002 and 0.00004; gnomAD 0.00004.

Submissions (8):

Ambry Genetics
Classification: Uncertain significance for Inborn genetic diseases. Last evaluated: 2026-08-27. Review status: criteria provided, single submitter. Criteria: Ambry Variant Classification Scheme 2023. Collection method: clinical testing. Allele origin: germline.
Comment: The c.2663C>T (p.S888L) alteration is located in exon 8 (coding exon 7) of the WFS1 gene. This alteration results from a C to T substitution at nucleotide position 2663, causing the serine (S) at amino acid position 888 to be replaced by a leucine (L). ; however, it is unlikely to be causative of Wolfram-like syndrome (AD). Based on data from gnomAD, the T allele has an overall frequency of 0.004% (11/279402) total alleles studied. The highest observed frequency was 0.02% (7/35338) of Latino alleles. Based on insufficient or conflicting evidence, the clinical significance of this alteration remains unclear.

Labcorp Genetics (formerly Invitae), Labcorp
Classification: Uncertain significance. Last evaluated: 2025-10-21. Review status: criteria provided, single submitter. Criteria: Invitae Variant Classification Sherloc (09022015). Collection method: clinical testing. Allele origin: germline.
Comment: This sequence change replaces serine, which is neutral and polar, with leucine, which is neutral and non-polar, at codon 888 of the WFS1 protein (p.Ser888Leu). This variant is present in population databases (rs547089139, gnomAD 0.02%). This missense change has been observed in individual(s) with clinical features of deafness (PMID: 27068579). ClinVar contains an entry for this variant (Variation ID: 215415). Invitae Evidence Modeling of protein sequence and biophysical properties (such as structural, functional, and spatial information, amino acid conservation, physicochemical variation, residue mobility, and thermodynamic stability) indicates that this missense variant is expected to disrupt WFS1 protein function with a positive predictive value of 95%. In summary, the available evidence is currently insufficient to determine the role of this variant in disease. Therefore, it has been classified as a Variant of Uncertain Significance.

PreventionGenetics, part of Exact Sciences
Classification: Uncertain significance for WFS1-related condition. Last evaluated: 2025-06-18. Review status: criteria provided, single submitter. Criteria: ACMG Guidelines, 2015. Collection method: clinical testing. Allele origin: germline.
Comment: The WFS1 c.2663C>T variant is predicted to result in the amino acid substitution p.Ser888Leu. This variant has been reported in an individual with hearing loss (Table S1, Sommen et al. 2016. PubMed ID: 27068579). This variant is reported in 0.020% of alleles in individuals of Latino descent in gnomAD. At this time, the clinical significance of this variant is uncertain due to the absence of conclusive functional and genetic evidence.

Blueprint Genetics
Classification: Uncertain significance. Last evaluated: 2024-11-17. Review status: criteria provided, single submitter. Criteria: ACMG Guidelines, 2015. Collection method: clinical testing. Allele origin: germline.

ARUP Laboratories, Molecular Genetics and Genomics, ARUP Laboratories
Classification: Uncertain significance. Last evaluated: 2024-05-08. Review status: criteria provided, single submitter. Criteria: ARUP Molecular Germline Variant Investigation Process 2024. Collection method: clinical testing. Allele origin: germline.
Comment: The WFS1 c.2663C>T; p.Ser888Leu variant (rs547089139, ClinVar variation ID: 215415) is reported in the literature in one individual affected with hearing loss (Sommen 2016). This variant is found in the general population with an overall allele frequency of 0.004% (11/279,402 alleles) in the Genome Aggregation Database (v2.1.1). Computational analyses are uncertain whether this variant is neutral or deleterious (REVEL: 0.626). Due to limited information, the clinical significance of this variant is uncertain at this time. References: Sommen M et al. DNA Diagnostics of Hereditary Hearing Loss: A Targeted Resequencing Approach Combined with a Mutation Classification System. Hum Mutat. 2016 Aug;37(8):812-9. PMID: 27068579.

GeneDx
Classification: Uncertain significance. Last evaluated: 2022-09-13. Review status: criteria provided, single submitter. Criteria: GeneDx Variant Classification Process June 2021. Collection method: clinical testing. Allele origin: germline. Affected: yes.
Comment: Identified in a cohort of patients with presumed autosomal recessive sensorineural hearing loss in published literature (Sommen et al., 2016), but additional evidence is not available; In silico analysis supports that this missense variant does not alter protein structure/function; This variant is associated with the following publications: (PMID: 34426522, 27068579)

Fulgent Genetics
Classification: Uncertain significance for Cataract 41; Type 2 diabetes mellitus; Wolfram syndrome 1; Autosomal dominant nonsyndromic hearing loss 6; Wolfram-like syndrome. Last evaluated: 2021-10-28. Review status: criteria provided, single submitter. Criteria: ACMG Guidelines, 2015. Collection method: clinical testing. Allele origin: unknown.

MGZ Medical Genetics Center
Classification: Uncertain significance for Wolfram-like syndrome. Last evaluated: 2021-10-05. Review status: criteria provided, single submitter. Criteria: ACMG Guidelines, 2015. Collection method: clinical testing. Allele origin: germline. Affected: yes. Observed: 1 variant allele.
Comment: ACMG criteria applied: PM2_SUP, PP3

Literature cited by the submitters: PubMed 27068579 (cited by Labcorp Genetics (formerly Invitae), Labcorp).